The following is an entry in ClinVar:

NM_001673.5(ASNS):c.614A>C (p.His205Pro)

Genes: ASNS (asparagine synthetase (glutamine-hydrolyzing); minus strand), CZ1P-ASNS (CZ1P-ASNS readthrough; minus strand). Cytogenetic location: 7q21.3.
Variant type: single nucleotide variant.
Coding change: c.614A>C on transcript NM_001673.5 (MANE Select); coding-DNA position 614, A replaced by C.
Protein change: p.His205Pro; replaces histidine 205 with proline.
Molecular consequence: missense variant. On other transcripts: non-coding transcript variant (1).
Genome position (GRCh38, 1-based): chr7:97,859,272, T>G on the plus strand (A>C on the coding strand, the complement: ASNS is on the minus strand). VCF-style: chr7-97859272-T-G. GRCh37 (hg19) VCF-style: chr7-97488584-T-G.
Other names: c.551A>C, p.His184Pro (NM_001178075.2); c.365A>C, p.His122Pro (NM_001178076.2, NM_001178077.1); c.614A>C, p.His205Pro (NM_001352496.2, NM_133436.3, NM_183356.4); short protein forms H205P, H122P, H184P.
Identifiers: ClinVar variation 1486990 (VCV001486990.9), dbSNP rs1252577998, ClinGen allele CA368269667.

ClinVar aggregate classification (germline): Conflicting classifications of pathogenicity. Review status: criteria provided, conflicting classifications (1 of 4 stars). 3 submissions from 3 submitters: Likely pathogenic (1); Uncertain significance (2). Last evaluated 2026-03-04.

Allele frequency attached by ClinVar (database versions not stated): gnomAD exomes below 0.00001; TOPMed below 0.00001; gnomAD 0.00001.
gnomAD v4.1: 3 of 1,614,050 alleles (0.00019%); highest among the groups gnomAD compares: Non-Finnish European, 0.00025%; no homozygotes.

Submissions (3):

Women's Health and Genetics/Laboratory Corporation of America, LabCorp
Classification: Uncertain significance. Last evaluated: 2026-03-04. Review status: criteria provided, single submitter. Criteria: LabCorp Variant Classification Summary - May 2015. Collection method: clinical testing. Allele origin: germline.
Comment: Variant summary: ASNS c.614A>C (p.His205Pro) results in a non-conservative amino acid change in the encoded protein sequence. Algorithms developed to predict the effect of missense changes on protein structure and function are either unavailable or do not agree on the potential impact of this missense change. The variant was absent in 251466 control chromosomes (gnomAD). The available data on variant occurrences in the general population are insufficient to allow any conclusion about variant significance. c.614A>C has been observed in an individual affected with Congenital microcephaly - severe encephalopathy - progressive cerebral atrophy syndrome with a pathogenic variant in trans (Staklinski_2023). These data do not allow any conclusion about variant significance. At least one publication reports experimental evidence evaluating an impact on protein function. These results showed no damaging effect of this variant on enzymatic activity (Staklinski_2023). The following publication has been ascertained in the context of this evaluation (PMID: 36873094). ClinVar contains an entry for this variant (Variation ID: 1486990). Based on the evidence outlined above, the variant was classified as uncertain significance.

Labcorp Genetics (formerly Invitae), Labcorp
Classification: Uncertain significance. Last evaluated: 2023-10-03. Review status: criteria provided, single submitter. Criteria: Invitae Variant Classification Sherloc (09022015). Collection method: clinical testing. Allele origin: germline.
Comment: This sequence change replaces histidine, which is basic and polar, with proline, which is neutral and non-polar, at codon 205 of the ASNS protein (p.His205Pro). This variant is not present in population databases (gnomAD no frequency). This variant has not been reported in the literature in individuals affected with ASNS-related conditions. ClinVar contains an entry for this variant (Variation ID: 1486990). Advanced modeling of protein sequence and biophysical properties (such as structural, functional, and spatial information, amino acid conservation, physicochemical variation, residue mobility, and thermodynamic stability) performed at Invitae indicates that this missense variant is not expected to disrupt ASNS protein function. In summary, the available evidence is currently insufficient to determine the role of this variant in disease. Therefore, it has been classified as a Variant of Uncertain Significance.

GeneDx
Classification: Likely pathogenic. Last evaluated: 2023-07-23. Review status: criteria provided, single submitter. Criteria: GeneDx Variant Classification Process June 2021. Collection method: clinical testing. Allele origin: germline. Affected: yes.
Comment: Not observed at significant frequency in large population cohorts (gnomAD); In silico analysis supports that this missense variant has a deleterious effect on protein structure/function; This variant is associated with the following publications: (PMID: 37111157, 36873094)

Literature cited by the submitters: PubMed 36873094 (cited by Women's Health and Genetics/Laboratory Corporation of America, LabCorp).